The following is an entry in ClinVar:

ClinVar aggregate classification (germline): Uncertain significance (1 of 4 stars; one submission).

Allele frequency attached by ClinVar (database versions not stated): gnomAD 0.00002.

Submission:

GeneDx
Classification: Uncertain significance. Last evaluated: 2022-03-14. Review status: criteria provided, single submitter. Criteria: GeneDx Variant Classification Process June 2021. Collection method: clinical testing. Allele origin: germline. Affected: yes.
Comment: In silico analysis supports that this missense variant does not alter protein structure/function; Has not been previously published as pathogenic or benign to our knowledge

NM_012208.4(HARS2):c.705C>G (p.Ile235Met)

Gene: HARS2 (histidyl-tRNA synthetase 2, mitochondrial; plus strand). Cytogenetic location: 5q31.3.
Variant type: single nucleotide variant.
Coding change: c.705C>G on transcript NM_012208.4 (MANE Select); coding-DNA position 705, C replaced by G.
Protein change: p.Ile235Met; replaces isoleucine 235 with methionine.
Molecular consequence: missense variant.
Genome position (GRCh38, 1-based): chr5:140,696,174, C>G. VCF-style: chr5-140696174-C-G. GRCh37 (hg19) VCF-style: chr5-140075759-C-G.
Other names: c.630C>G, p.Ile210Met (NM_001278731.2); c.273C>G, p.Ile91Met (NM_001278732.2); c.723C>G, p.Ile241Met (NM_001363535.2); c.495C>G, p.Ile165Met (NM_001363536.2); short protein forms I165M, I210M, I235M, I241M, I91M.
Identifiers: ClinVar variation 1706243 (VCV001706243.2), dbSNP rs1275449413, ClinGen allele CA361198753.